The following is an entry in ClinVar:

ClinVar aggregate classification (germline): Uncertain significance (1 of 4 stars; one submission).

Conditions:
Microcephaly, normal intelligence and immunodeficiency (NBS). Also called: BERLIN BREAKAGE SYNDROME; Immunodeficiency, microcephaly with normal intelligence; Nijmegen breakage syndrome; Microcephaly with normal intelligence immunodeficiency and lymphoreticular malignancies; Nonsyndromal microcephaly autosomal recessive with normal intelligence; Seemanova syndrome 2. Identifiers: Orphanet 647, MedGen C0398791, MONDO:0009623, OMIM 251260.

Allele frequency attached by ClinVar (database versions not stated): gnomAD 0.00001.

Submission:

Labcorp Genetics (formerly Invitae), Labcorp
Classification: Uncertain significance for Microcephaly, normal intelligence and immunodeficiency. Last evaluated: 2024-06-22. Review status: criteria provided, single submitter. Criteria: Invitae Variant Classification Sherloc (09022015). Collection method: clinical testing. Allele origin: germline.
Comment: This sequence change replaces methionine, which is neutral and non-polar, with valine, which is neutral and non-polar, at codon 296 of the NBN protein (p.Met296Val). This variant is present in population databases (no rsID available, gnomAD 0.007%). This variant has not been reported in the literature in individuals affected with NBN-related conditions. ClinVar contains an entry for this variant (Variation ID: 1469291). Algorithms developed to predict the effect of missense changes on protein structure and function output the following: SIFT: "Not Available"; PolyPhen-2: "Benign"; Align-GVGD: "Not Available". The valine amino acid residue is found in multiple mammalian species, which suggests that this missense change does not adversely affect protein function. In summary, the available evidence is currently insufficient to determine the role of this variant in disease. Therefore, it has been classified as a Variant of Uncertain Significance.

NM_002485.5(NBN):c.886A>G (p.Met296Val)

Gene: NBN (nibrin; minus strand). Cytogenetic location: 8q21.3.
Variant type: single nucleotide variant.
Coding change: c.886A>G on transcript NM_002485.5 (MANE Select); coding-DNA position 886, A replaced by G.
Protein change: p.Met296Val; replaces methionine 296 with valine.
Molecular consequence: missense variant.
Genome position (GRCh38, 1-based): chr8:89,970,374, T>C on the plus strand (A>G on the coding strand, the complement: NBN is on the minus strand). VCF-style: chr8-89970374-T-C. GRCh37 (hg19) VCF-style: chr8-90982602-T-C.
Other names: c.640A>G, p.Met214Val (NM_001024688.3); short protein forms M214V, M296V.
Identifiers: ClinVar variation 1469291 (VCV001469291.6), dbSNP rs1241439290, ClinGen allele CA371658202.